The following is an entry in ClinVar:

NM_181523.3(PIK3R1):c.869T>C (p.Ile290Thr)

Gene: PIK3R1 (phosphoinositide-3-kinase regulatory subunit 1; plus strand). Cytogenetic location: 5q13.1.
Variant type: single nucleotide variant.
Coding change: c.869T>C on transcript NM_181523.3 (MANE Select); coding-DNA position 869, T replaced by C.
Protein change: p.Ile290Thr; replaces isoleucine 290 with threonine.
Molecular consequence: missense variant.
Genome position (GRCh38, 1-based): chr5:68,280,959, T>C. VCF-style: chr5-68280959-T-C. GRCh37 (hg19) VCF-style: chr5-67576787-T-C.
Other names: short protein forms I290T.
Identifiers: ClinVar variation 1483474 (VCV001483474.7), dbSNP rs759526958, ClinGen allele CA3290158.
Genomic context (GRCh38, chr5:68,280,959, plus strand): 5'-GGTTTCTAATAAACTCTCTTTCTTACAGCTCTGATAATACTGAAAACCTCATAAAAGTTA[T>C]AGAAATTTTAATCTCAACTGAATGGAATGAACGACAGCCTGCACCAGGTAATGCTTTTTG-3'
Protein context (NP_852664.1, residues 280-300): SDNTENLIKV[Ile290Thr]EILISTEWNE

ClinVar aggregate classification (germline): Uncertain significance. Review status: criteria provided, multiple submitters, no conflicts (2 of 4 stars). 3 submissions from 3 submitters: Uncertain significance (3). Last evaluated 2022-08-27.

Conditions:
SHORT syndrome. Also called: PIK3R1-Related SHORT Syndrome; SHORT STATURE, HYPEREXTENSIBILITY, HERNIA, OCULAR DEPRESSION, RIEGER ANOMALY, AND TEETHING DELAY; LIPODYSTROPHY, PARTIAL, WITH RIEGER ANOMALY AND SHORT STATURE. Identifiers: Orphanet 3163, MedGen C0878684, MONDO:0010026, OMIM 269880.
Immunodeficiency 36 with lymphoproliferation. Also called: Immunodeficiency 36; ACTIVATED PI3K-DELTA SYNDROME 2; Activated PI3K Delta Syndrome Type 2 (APDS2). Identifiers: Orphanet 397596, Orphanet 693681, MedGen C4014934, MONDO:0014453, OMIM 616005.
Agammaglobulinemia 7, autosomal recessive (AGM7). Also called: AGAMMAGLOBULINEMIA, AUTOSOMAL RECESSIVE, DUE TO PIK3R1 DEFECT. Identifiers: MedGen C3554689, MONDO:0014083, OMIM 615214.

Allele frequency attached by ClinVar (database versions not stated): TOPMed below 0.00001; ExAC 0.00001; gnomAD 0.00001; gnomAD exomes 0.00001.

Submissions (3):

Labcorp Genetics (formerly Invitae), Labcorp
Classification: Uncertain significance for SHORT syndrome; Immunodeficiency 36 with lymphoproliferation; Agammaglobulinemia 7, autosomal recessive. Last evaluated: 2022-08-27. Review status: criteria provided, single submitter. Criteria: Invitae Variant Classification Sherloc (09022015). Collection method: clinical testing. Allele origin: germline.
Comment: This sequence change replaces isoleucine, which is neutral and non-polar, with threonine, which is neutral and polar, at codon 290 of the PIK3R1 protein (p.Ile290Thr). This variant is present in population databases (rs759526958, gnomAD 0.006%). This variant has not been reported in the literature in individuals affected with PIK3R1-related conditions. ClinVar contains an entry for this variant (Variation ID: 1483474). Algorithms developed to predict the effect of missense changes on protein structure and function are either unavailable or do not agree on the potential impact of this missense change (SIFT: "Deleterious"; PolyPhen-2: "Benign"; Align-GVGD: "Class C0"). In summary, the available evidence is currently insufficient to determine the role of this variant in disease. Therefore, it has been classified as a Variant of Uncertain Significance.

Blueprint Genetics
Classification: Uncertain significance. Last evaluated: 2022-01-17. Review status: criteria provided, single submitter. Criteria: ACMG Guidelines, 2015. Collection method: clinical testing. Allele origin: germline.

Breakthrough Genomics
Classification: Uncertain significance. Review status: criteria provided, single submitter. Criteria: ACMG Guidelines, 2015. Collection method: not provided. Allele origin: germline. Inheritance: Autosomal recessive inheritance. Affected: yes.